The following is an entry in ClinVar:

ClinVar aggregate classification (germline): Uncertain significance (1 of 4 stars; one submission).

gnomAD v4.1: 1 of 1,614,198 alleles (0.000062%); no homozygotes.

Submission:

GeneDx
Classification: Uncertain significance. Last evaluated: 2024-04-24. Review status: criteria provided, single submitter. Criteria: GeneDx Variant Classification Process June 2021. Collection method: clinical testing. Allele origin: germline. Affected: yes.
Comment: Not observed at significant frequency in large population cohorts (gnomAD); In silico analysis supports that this missense variant has a deleterious effect on protein structure/function; Has not been previously published as pathogenic or benign to our knowledge; This variant is associated with the following publications: (PMID: 25512093, 25609763, 26100331)

NM_001376.5(DYNC1H1):c.9576C>G (p.Ser3192Arg)

Gene: DYNC1H1 (dynein cytoplasmic 1 heavy chain 1; plus strand). Cytogenetic location: 14q32.31.
Variant type: single nucleotide variant.
Coding change: c.9576C>G on transcript NM_001376.5 (MANE Select); coding-DNA position 9576, C replaced by G.
Protein change: p.Ser3192Arg; replaces serine 3192 with arginine.
Molecular consequence: missense variant.
Genome position (GRCh38, 1-based): chr14:102,029,646, C>G. VCF-style: chr14-102029646-C-G. GRCh37 (hg19) VCF-style: chr14-102495983-C-G.
Other names: short protein forms S3192R.
Identifiers: ClinVar variation 3372829 (VCV003372829.1).